The following is an entry in ClinVar:

NM_014915.3(ANKRD26):c.3173A>G (p.Asn1058Ser)

Gene: ANKRD26 (ankyrin repeat domain 26; minus strand). Cytogenetic location: 10p12.1.
Variant type: single nucleotide variant.
Coding change: c.3173A>G on transcript NM_014915.3 (MANE Select); coding-DNA position 3173, A replaced by G.
Protein change: p.Asn1058Ser; replaces asparagine 1058 with serine.
Molecular consequence: missense variant.
Genome position (GRCh38, 1-based): chr10:27,035,277, T>C on the plus strand (A>G on the coding strand, the complement: ANKRD26 is on the minus strand). VCF-style: chr10-27035277-T-C. GRCh37 (hg19) VCF-style: chr10-27324206-T-C.
Other names: c.3170A>G, p.Asn1057Ser (NM_001256053.2); short protein forms N1057S, N1058S.
Identifiers: ClinVar variation 3371110 (VCV003371110.2).

ClinVar aggregate classification (germline): Uncertain significance. Review status: criteria provided, multiple submitters, no conflicts (2 of 4 stars). 2 submissions from 2 submitters: Uncertain significance (2). Last evaluated 2025-09-25.

Conditions:
Inborn genetic diseases. Identifiers: MedGen C0950123, MeSH D030342.

Submissions (2):

Ambry Genetics
Classification: Uncertain significance for Inborn genetic diseases. Last evaluated: 2025-09-25. Review status: criteria provided, single submitter. Criteria: Ambry Variant Classification Scheme 2023. Collection method: clinical testing. Allele origin: germline.
Comment: The p.N1058S variant (also known as c.3173A>G), located in coding exon 24 of the ANKRD26 gene, results from an A to G substitution at nucleotide position 3173. The asparagine at codon 1058 is replaced by serine, an amino acid with highly similar properties. This amino acid position is conserved. In addition, this alteration is predicted to be tolerated by in silico analysis. Based on the available evidence, the clinical significance of this variant remains unclear.

GeneDx
Classification: Uncertain significance. Last evaluated: 2024-03-17. Review status: criteria provided, single submitter. Criteria: GeneDx Variant Classification Process June 2021. Collection method: clinical testing. Allele origin: germline. Affected: yes.
Comment: Not observed at significant frequency in large population cohorts (gnomAD); In silico analysis supports that this missense variant has a deleterious effect on protein structure/function; Has not been previously published as pathogenic or benign to our knowledge